The following is an entry in ClinVar:

ClinVar aggregate classification (germline): Uncertain significance (1 of 4 stars; one submission).

Conditions:
Congenital diarrhea 5 with tufting enteropathy. Also called: INTESTINAL EPITHELIAL CELL DYSPLASIA; Congenital tufting enteropathy. Identifiers: Orphanet 92050, MedGen C2750737, MONDO:0013184, OMIM 613217.

Submission:

Diagnostics Services (NGS), CSIR - Centre For Cellular And Molecular Biology
Classification: Uncertain significance for Congenital diarrhea 5 with tufting enteropathy. Last evaluated: 2022-10-26. Review status: criteria provided, single submitter. Criteria: ACMG Guidelines, 2015. Collection method: clinical testing. Allele origin: unknown. Affected: yes. Observed: 1 variant allele, 1 homozygote.
Comment: The c.79T>G variant is not present in publicly available population databases like 1000 Genomes, EVS, ExAC, gnomAD, Indian Exome Database or our in-house exome database. This variant has neither been published nor reported to clinical databases like OMIM, ClinVar and/or Human Genome Mutation Database (HGMD), in any affected individuals. In-silico pathogenicity prediction programs like SIFT, Polyphen2, MutationTaster2, CADD, etc. predicted this variant to be likely deleterious. The variant is located near the exon-intron splice junction (splice-site distance 3 bp) and predicted to affect splicing by the activation of a cryptic acceptor/donor site, however these predictions were not confirmed by any published functional/translational studies.

NM_002354.3(EPCAM):c.79T>G (p.Cys27Gly)

Gene: EPCAM (epithelial cell adhesion molecule; plus strand). Cytogenetic location: 2p21.
Variant type: single nucleotide variant.
Coding change: c.79T>G on transcript NM_002354.3 (MANE Select); coding-DNA position 79, T replaced by G.
Protein change: p.Cys27Gly; replaces cysteine 27 with glycine.
Molecular consequence: missense variant.
Genome position (GRCh38, 1-based): chr2:47,373,465, T>G. VCF-style: chr2-47373465-T-G. GRCh37 (hg19) VCF-style: chr2-47600604-T-G.
Other names: short protein forms C27G.
Identifiers: ClinVar variation 1802261 (VCV001802261.3), dbSNP rs2103745496, ClinGen allele CA346722375.